The following is an entry in ClinVar:

ClinVar aggregate classification (germline): Uncertain significance (1 of 4 stars; one submission).

gnomAD v4.1: 7 of 1,549,190 alleles (0.00045%); highest among the groups gnomAD compares: Non-Finnish European, 0.00061%; no homozygotes.

Submission:

CeGaT Center for Human Genetics Tuebingen
Classification: Uncertain significance. Last evaluated: 2025-03-01. Review status: criteria provided, single submitter. Criteria: CeGaT Center For Human Genetics Tuebingen Variant Classification Criteria Version 2. Collection method: clinical testing. Allele origin: germline. Affected: yes. Observed: 1 variant allele.
Comment: PPP1R21: PM2, BP4

NM_001135629.3(PPP1R21):c.1970T>G (p.Val657Gly)

Gene: PPP1R21 (protein phosphatase 1 regulatory subunit 21; plus strand). Cytogenetic location: 2p16.3.
Variant type: single nucleotide variant.
Coding change: c.1970T>G on transcript NM_001135629.3 (MANE Select); coding-DNA position 1970, T replaced by G.
Protein change: p.Val657Gly; replaces valine 657 with glycine.
Molecular consequence: missense variant. On other transcripts: non-coding transcript variant (1).
Genome position (GRCh38, 1-based): chr2:48,507,270, T>G. VCF-style: chr2-48507270-T-G. GRCh37 (hg19) VCF-style: chr2-48734409-T-G.
Other names: c.1844T>G, p.Val615Gly (NM_001193475.2); c.1937T>G, p.Val646Gly (NM_152994.5); short protein forms V615G, V646G, V657G.
Identifiers: ClinVar variation 3777946 (VCV003777946.7).